The following is an entry in ClinVar:

NM_004656.4(BAP1):c.1119G>A (p.Glu373=)

Gene: BAP1 (BRCA1 associated deubiquitinase 1; minus strand). Cytogenetic location: 3p21.1.
Variant type: single nucleotide variant.
Coding change: c.1119G>A on transcript NM_004656.4 (MANE Select); coding-DNA position 1119, G replaced by A.
Protein change: p.Glu373=; no amino-acid change (glutamic acid 373 retained).
Molecular consequence: synonymous variant.
Genome position (GRCh38, 1-based): chr3:52,404,584, C>T on the plus strand (G>A on the coding strand, the complement: BAP1 is on the minus strand). VCF-style: chr3-52404584-C-T. GRCh37 (hg19) VCF-style: chr3-52438600-C-T.
Other names: c.1119G>A (NM_004656.2).
Identifiers: ClinVar variation 630525 (VCV000630525.8), dbSNP rs1559587957, ClinGen allele CA433774216.
Genomic context (GRCh38, chr3:52,404,584, plus strand): 5'-CTGCTGGGGTGGGCGGACTGGAACTCGGCTGCGGCCCACACCTGCCGCCAGGTCTTCTTC[C>T]TCCTGGGACAAAGACCAGGGCAGTTACAAACAAGTGCTGCTCGGCCCAGGCTGAGCCTAG-3'
Protein context (NP_004647.1, residues 363-383): NHNYAKSPMQ[Glu373=]EEDLAAGVGR

ClinVar aggregate classification (germline): Conflicting classifications of pathogenicity. Review status: criteria provided, conflicting classifications (1 of 4 stars). 5 submissions from 5 submitters: Uncertain significance (2); Benign (2); Likely benign (1). Last evaluated 2025-01-25.

Conditions:
Hereditary cancer-predisposing syndrome. Also called: Tumor predisposition; Neoplastic Syndromes, Hereditary; Hereditary neoplastic syndrome; Hereditary Cancer Syndrome. Identifiers: Orphanet 140162, MedGen C0027672, MeSH D009386, MONDO:0015356.
BAP1-related tumor predisposition syndrome (TPDS1). Also called: Tumor susceptibility linked to germline BAP1 mutations; BAP1 tumor predisposition syndrome; COMMON Syndrome; TUMOR PREDISPOSITION SYNDROME 1. Identifiers: Orphanet 289539, MedGen C3280492, MONDO:0013692, OMIM 614327.

Submissions (5):

Ambry Genetics
Classification: Benign for Hereditary cancer-predisposing syndrome. Last evaluated: 2025-01-25. Review status: criteria provided, single submitter. Criteria: Ambry Variant Classification Scheme 2023. Collection method: clinical testing. Allele origin: germline.

Labcorp Genetics (formerly Invitae), Labcorp
Classification: Uncertain significance for BAP1-related tumor predisposition syndrome. Last evaluated: 2025-01-22. Review status: criteria provided, single submitter. Criteria: Invitae Variant Classification Sherloc (09022015). Collection method: clinical testing. Allele origin: germline.
Comment: This sequence change affects codon 373 of the BAP1 mRNA. It is a 'silent' change, meaning that it does not change the encoded amino acid sequence of the BAP1 protein. This variant is not present in population databases (gnomAD no frequency). This variant has not been reported in the literature in individuals affected with BAP1-related conditions. ClinVar contains an entry for this variant (Variation ID: 630525). Algorithms developed to predict the effect of sequence changes on RNA splicing suggest that this variant may create or strengthen a splice site. In summary, the available evidence is currently insufficient to determine the role of this variant in disease. Therefore, it has been classified as a Variant of Uncertain Significance.

Myriad Genetics, Inc.
Classification: Benign for BAP1-related tumor predisposition syndrome. Last evaluated: 2024-07-15. Review status: criteria provided, single submitter. Criteria: Myriad Autosomal Dominant, Autosomal Recessive and X-Linked Classification Criteria (2023). Collection method: clinical testing. Allele origin: unknown.
Comment: This variant is considered benign. This variant is a silent/synonymous amino acid change and it is not expected to impact splicing.

Quest Diagnostics Nichols Institute San Juan Capistrano
Classification: Uncertain significance. Last evaluated: 2024-03-05. Review status: criteria provided, single submitter. Criteria: Quest Diagnostics criteria. Collection method: clinical testing. Allele origin: unknown.
Comment: The BAP1 c.1119G>A (p.Glu373=) synonymous variant has not been reported in individuals with BAP1-related conditions in the published literature. It also has not been reported in large, multi-ethnic general populations (Genome Aggregation Database). Analysis of this variant using software algorithms for the prediction of the effect of nucleotide changes on splicing yielded predictions that this variant does not affect BAP1 mRNA splicing. Based on the available information, we are unable to determine the clinical significance of this variant.

Color Diagnostics, LLC DBA Color Health
Classification: Likely benign for Hereditary cancer-predisposing syndrome. Last evaluated: 2017-12-14. Review status: criteria provided, single submitter. Criteria: ACMG Guidelines, 2015. Collection method: clinical testing. Allele origin: germline.

Literature cited by the submitters: PubMed 38969833 (cited by Ambry Genetics).